The following is an entry in ClinVar:

ClinVar aggregate classification (germline): Conflicting classifications of pathogenicity. Review status: criteria provided, conflicting classifications (1 of 4 stars). 7 submissions from 7 submitters: Uncertain significance (1); Benign (1); Likely benign (4). 1 of the submissions does not count toward it. Last evaluated 2025-12-18.

Conditions:
EBP-related disorder. Also called: EBP-related condition.
Inborn genetic diseases. Identifiers: MedGen C0950123, MeSH D030342.

Allele frequency attached by ClinVar (database versions not stated): gnomAD exomes 0.00023 and 0.00030; TOPMed 0.00028; gnomAD 0.00030 and 0.00032; ExAC 0.00034; ESP Exome Variant Server 0.00047.
gnomAD v4.1: 275 of 1,210,141 alleles (0.023%); highest among the groups gnomAD compares: Non-Finnish European, 0.027%; no homozygotes.

Submissions (7):

Labcorp Genetics (formerly Invitae), Labcorp
Classification: Benign. Last evaluated: 2025-12-18. Review status: criteria provided, single submitter. Criteria: Invitae Variant Classification Sherloc (09022015). Collection method: clinical testing. Allele origin: germline.

Laboratory of Genetics, Children's Clinical University Hospital Latvia
Classification: Likely benign. Last evaluated: 2025-02-16. Review status: criteria provided, single submitter. Criteria: ACMG Guidelines, 2015. Collection method: clinical testing. Allele origin: germline. Affected: yes.

Blueprint Genetics
Classification: Likely benign. Last evaluated: 2024-10-16. Review status: criteria provided, single submitter. Criteria: ACMG Guidelines, 2015. Collection method: clinical testing. Allele origin: germline.

CeGaT Center for Human Genetics Tuebingen
Classification: Likely benign. Last evaluated: 2023-10-01. Review status: criteria provided, single submitter. Criteria: CeGaT Center For Human Genetics Tuebingen Variant Classification Criteria Version 2. Collection method: clinical testing. Allele origin: germline. Affected: yes. Observed: 4 variant alleles.
Comment: EBP: BS2; ENSG00000286268: BS2

Ambry Genetics
Classification: Uncertain significance for Inborn genetic diseases. Last evaluated: 2021-04-21. Review status: criteria provided, single submitter. Criteria: Ambry Variant Classification Scheme 2023. Collection method: clinical testing. Allele origin: germline.
Comment: The c.341G>T (p.G114V) alteration is located in exon 4 (coding exon 3) of the EBP gene. This alteration results from a G to T substitution at nucleotide position 341, causing the glycine (G) at amino acid position 114 to be replaced by a valine (V). The p.G114V alteration is predicted to be tolerated by in silico analysis. Based on insufficient or conflicting evidence, the clinical significance of this alteration remains unclear.

GeneDx
Classification: Likely benign. Last evaluated: 2020-07-31. Review status: criteria provided, single submitter. Criteria: GeneDx Variant Classification Process June 2021. Collection method: clinical testing. Allele origin: germline. Affected: yes.

PreventionGenetics, part of Exact Sciences
Classification: Likely benign for EBP-related condition. Last evaluated: 2021-09-10. Review status: no assertion criteria provided. Collection method: clinical testing. Allele origin: germline. Not counted in ClinVar's aggregate classification.
Comment: This variant is classified as likely benign based on ACMG/AMP sequence variant interpretation guidelines (Richards et al. 2015 PMID: 25741868, with internal and published modifications).

NM_006579.3(EBP):c.341G>T (p.Gly114Val)

Gene: EBP (EBP cholestenol delta-isomerase; plus strand). Cytogenetic location: Xp11.23.
Variant type: single nucleotide variant.
Coding change: c.341G>T on transcript NM_006579.3 (MANE Select); coding-DNA position 341, G replaced by T.
Protein change: p.Gly114Val; replaces glycine 114 with valine.
Molecular consequence: missense variant.
Genome position (GRCh38, 1-based): chrX:48,527,157, G>T. VCF-style: chrX-48527157-G-T. GRCh37 (hg19) VCF-style: chrX-48385545-G-T.
Other names: short protein forms G114V.
Identifiers: ClinVar variation 1019011 (VCV001019011.44), dbSNP rs148792902, ClinGen allele CA10403025.
Genomic context (GRCh38, chrX:48,527,157, plus strand): 5'-GGCTAACCTGTAGGAAGAGCACACCGATACCAGTGTCCCCTCATGCTTTCTCCTGCAGGG[G>T]TGACAACTTCACAGTGTGCATGGAAACCATCACAGCTTGCCTGTGGGGACCACTCAGCCT-3'
Protein context (NP_006570.1, residues 104-124): YAKGDSRYIL[Gly114Val]DNFTVCMETI